The following is an entry in ClinVar:

ClinVar aggregate classification (germline): Pathogenic/Likely pathogenic. Review status: criteria provided, multiple submitters, no conflicts (2 of 4 stars). 7 submissions from 7 submitters: Pathogenic (6); Likely pathogenic (1). Last evaluated 2025-06-12.

Conditions:
Intellectual disability, autosomal recessive 53 (NEDHSCA). Also called: NEURODEVELOPMENTAL DISORDER WITH OR WITHOUT HYPOTONIA, SEIZURES, AND CEREBELLAR ATROPHY; GLYCOSYLPHOSPHATIDYLINOSITOL BIOSYNTHESIS DEFECT 13; Mental retardation, autosomal recessive 53. Identifiers: Orphanet 488635, MedGen C4310794, MONDO:0014832, OMIM 616917.
BLOOD GROUP, EMM SYSTEM (EMM). Identifiers: MedGen C5676953, OMIM 619812.
PIGG-related disorder. Also called: PIGG-related condition.

Submissions (8):

GeneDx
Classification: Pathogenic. Last evaluated: 2025-06-12. Review status: criteria provided, single submitter. Criteria: GeneDx Variant Classification Process June 2021. Collection method: clinical testing. Allele origin: germline.
Comment: In vitro functional assays indicate that this canonical splice site variant destroys PIGG expression, resulting in a null allele (PMID: 34113002); This variant is associated with the following publications: (PMID: 31980526, 28771251, 28581210, 26996948, 33763700, 34113002)

3billion
Classification: Pathogenic for Intellectual disability, autosomal recessive 53. Last evaluated: 2025-05-19. Review status: criteria provided, single submitter. Criteria: ACMG Guidelines, 2015. Collection method: clinical testing. Allele origin: germline. Affected: yes.
Comment: The variant is observed at an extremely low frequency in the gnomAD v4.1.0 dataset (total allele frequency: 0.001%). Predicted Consequence/Location: Frameshift: predicted to result in a loss or disruption of normal protein function through nonsense-mediated decay (NMD) or protein truncation. Multiple pathogenic variants are reported downstream of the variant. The variant has been reported at least twice as pathogenic with clinical assertions and evidence for the classification (ClinVar ID: VCV001453486). Therefore, this variant is classified as Pathogenic according to the recommendation of ACMG/AMP guideline.

Labcorp Genetics (formerly Invitae), Labcorp
Classification: Pathogenic for Intellectual disability, autosomal recessive 53. Last evaluated: 2025-03-05. Review status: criteria provided, single submitter. Criteria: Invitae Variant Classification Sherloc (09022015). Collection method: clinical testing. Allele origin: germline.
Comment: This sequence change creates a premature translational stop signal (p.Gly301Valfs*20) in the PIGG gene. It is expected to result in an absent or disrupted protein product. Loss-of-function variants in PIGG are known to be pathogenic (PMID: 26996948, 28581210, 28771251). This variant is present in population databases (rs782318668, gnomAD 0.03%). This premature translational stop signal has been observed in individual(s) with clinical features of PIGG-related conditions (PMID: 33763700, 34113002). This variant is also known as c.901+1del. ClinVar contains an entry for this variant (Variation ID: 1453486). Algorithms developed to predict the effect of sequence changes on RNA splicing suggest that this variant may disrupt the consensus splice site. For these reasons, this variant has been classified as Pathogenic.

Victorian Clinical Genetics Services, Murdoch Childrens Research Institute
Classification: Pathogenic for Intellectual disability, autosomal recessive 53. Last evaluated: 2024-09-20. Review status: criteria provided, single submitter. Criteria: ACMG Guidelines, 2015. Collection method: clinical testing. Allele origin: germline. Inheritance: Autosomal recessive inheritance. Affected: no.
Comment: Based on the classification scheme VCGS_Germline_v1.3.4, this variant is classified as Pathogenic. Following criteria are met: 0102 - Loss of function is a known mechanism of disease in this gene and is associated with neurodevelopmental disorder with or without hypotonia, seizures, and cerebellar atrophy (MIM#616917). (I) 0106 - This gene is associated with autosomal recessive disease. (I) 0211 - Canonical splice site variant without proven consequence on splicing (no functional evidence available). (SP) 0251 - This variant is heterozygous. (I) 0304 - Variant is present in gnomAD <0.01 for a recessive condition (v2: 9 heterozygotes, 0 homozygotes). (SP) 0311 - Multiple alternative nucleotide changes at the same canonical splice site have been observed in gnomAD (v2 and v3) (highest allele count: 1 heterozygote, 0 homozygotes). (I) 0505 - Abnormal splicing is predicted by in silico tools and affected nucleotide is highly conserved. (SP) 0705 - No comparable splice variants have previous evidence for pathogenicity. (I) 0802 - This variant has moderate previous evidence of pathogenicity in unrelated individuals. This variant has been classified as pathogenic in ClinVar and has been reported in both homozygous and compound heterozygous individuals with PIGG-related features (PMIDs: 33763700, 34113002). (SP) 1002 - This variant has moderate functional evidence supporting abnormal protein function. In vitro functional assays show that PIGG/PIGO knock-out cells transfected with the c.901+1del variant compound heterozygous with an NMD-predicted variant, did not rescue PIGG expression (PMID: 34113002). (SP) 1208 - Inheritance information for this variant is not currently available in this individual. (I) Legend: (SP) - Supporting pathogenic, (I) - Information, (SB) - Supporting benign

Women's Health and Genetics/Laboratory Corporation of America, LabCorp
Classification: Pathogenic for Intellectual disability, autosomal recessive 53. Last evaluated: 2024-05-22. Review status: criteria provided, single submitter. Criteria: LabCorp Variant Classification Summary - May 2015. Collection method: clinical testing. Allele origin: germline.
Comment: Variant summary: PIGG c.901+1delG is located in a canonical splice-site and is predicted to affect mRNA splicing resulting in a significantly altered protein due to either exon skipping, shortening, or inclusion of intronic material. Several computational tools predict a significant impact on normal splicing: Three predict the variant abolishes a 5' splicing donor site. However, these predictions have yet to be confirmed by functional studies. The variant allele was found at a frequency of 3.6e-05 in 248268 control chromosomes. c.901+1delG has been reported in the literature in the compound heterozygous and homozygous states in individuals affected with inherited glycosylphosphatidylinositol deficiency (e.g. Duval_2021, Tremblay-Laganiere_2021). These data indicate that the variant is likely to be associated with disease. At least one in vitro study in HEK293 cells shows that this variant results in 0% enzyme activity (e.g. Tremblay-Laganiere_2021). The following publications have been ascertained in the context of this evaluation (PMID: 33763700, 34113002). ClinVar contains an entry for this variant (Variation ID: 1453486). Based on the evidence outlined above, the variant was classified as pathogenic.

Blueprint Genetics
Classification: Likely pathogenic for PIGG-related disorders. Last evaluated: 2023-05-16. Review status: criteria provided, single submitter. Criteria: ACMG Guidelines, 2015. Collection method: clinical testing. Allele origin: germline. Affected: yes. Observed: 4 variant alleles.

Juno Genomics, Hangzhou Juno Genomics, Inc
Classification: Pathogenic for BLOOD GROUP, EMM SYSTEM; Intellectual disability, autosomal recessive 53. Review status: criteria provided, single submitter. Criteria: ACMG Guidelines, 2015. Collection method: clinical testing. Allele origin: germline.
Comment: Absent from controls (or at extremely low frequency if recessive) in Genome Aggregation Database.;Null variant in a gene where loss of function (LOF) is a known mechanism of disease.;For recessive disorders, detected in trans with a pathogenic variant.

Dr. Peter K. Rogan Lab, Western University
No classification provided (evidence only). Condition: Malignant lymphoma, large B-cell, diffuse. Review status: no classification provided. Collection method: in vitro. Allele origin: not applicable. Functional consequence: skipped exon. Not counted in ClinVar's aggregate classification.

Literature cited by the submitters: PubMed 26996948 (cited by Labcorp Genetics (formerly Invitae), Labcorp); PubMed 28581210 (cited by Labcorp Genetics (formerly Invitae), Labcorp); PubMed 28771251 (cited by Labcorp Genetics (formerly Invitae), Labcorp); PubMed 33763700 (cited by 3 submitters); PubMed 34113002 (cited by 3 submitters).

NM_001127178.3(PIGG):c.901+1del

Gene: PIGG (phosphatidylinositol glycan anchor biosynthesis class G (EMM blood group); plus strand). Cytogenetic location: 4p16.3.
Variant type: Deletion.
Coding change: c.901+1del on transcript NM_001127178.3 (MANE Select); the canonical splice donor site of the intron after coding-DNA position 901, one base deleted (G; older notation c.901+1delG).
Molecular consequence: splice donor variant. On other transcripts: intron variant (1).
Genome position (GRCh38, 1-based): chr4:508,971, G deleted; the last of 2 consecutive G bases (chr4:508,970-508,971); deleting either gives the same sequence. VCF-style (leftmost placement, unchanged base first): chr4-508969-CG-C. GRCh37 (hg19) VCF-style: chr4-502758-CG-C.
Other names: NC_000004.11:g.502760del; c.901+1delG (NM_001127178.3, NM_001127178.2); c.-312+1del (NM_001345994.2); c.634+1del (NM_001345986.2, NM_001345987.2, NM_001289051.2 and 2 more transcripts); c.-587+1del (NM_001345991.2); c.-129+1378del (NM_001345988.2); c.-725+1del (NM_001345990.2); c.901+1del (NM_017733.5, NM_001345989.2); and 2 more.
Identifiers: ClinVar variation 1453486 (VCV001453486.16), dbSNP rs782318668, ClinGen allele CA2793128.
Genomic context (GRCh38, chr4:508,969, plus strand): 5'-CTCCACCGAGGAGGTGAATACACCTCTGATTTTAATCAGTTCTGCGTTTGAAAGGAAACC[CG>C]GTGAGAATTTAGGAATGTTAACAGTTGGAAATTGTATTACATTTGTTTTCTATAGTCTGG-3'